The following is an entry in ClinVar:

NM_001370658.1(BTD):c.653G>C (p.Gly218Ala)

Gene: BTD (biotinidase; plus strand). Cytogenetic location: 3p25.1.
Variant type: single nucleotide variant.
Coding change: c.653G>C on transcript NM_001370658.1 (MANE Select); coding-DNA position 653, G replaced by C.
Protein change: p.Gly218Ala; replaces glycine 218 with alanine.
Molecular consequence: missense variant. On other transcripts: intron variant (6).
Genome position (GRCh38, 1-based): chr3:15,644,569, G>C. VCF-style: chr3-15644569-G-C. GRCh37 (hg19) VCF-style: chr3-15686076-G-C.
Other names: c.713G>C, p.Gly238Ala (NM_000060.4); c.713G>C (NM_000060.2); c.653G>C, p.Gly218Ala (NM_001281723.4, NM_001281724.3, NM_001281725.3 and 18 more transcripts); c.399+2512G>C (NM_001370753.1, NM_001407400.1, NM_001407380.1 and 3 more transcripts); short protein forms G218A.
Identifiers: ClinVar variation 439038 (VCV000439038.20), dbSNP rs144901367, ClinGen allele CA2277365.

ClinVar aggregate classification (germline): Uncertain significance. Review status: criteria provided, multiple submitters, no conflicts (2 of 4 stars). 5 submissions from 5 submitters: Uncertain significance (4). 1 of the submissions does not count toward it. Last evaluated 2026-05-03.

Conditions:
BTD-related disorder. Also called: BTD-related condition.
Inborn genetic diseases. Identifiers: MedGen C0950123, MeSH D030342.
Biotinidase deficiency. Also called: Biotin deficiency; BTD deficiency; Late-onset biotin-responsive multiple carboxylase deficiency. Identifiers: Orphanet 79241, MedGen C0220754, MONDO:0009665, OMIM 253260.

Allele frequency attached by ClinVar (database versions not stated): gnomAD exomes 0.00001 and 0.00002; ExAC 0.00003; ESP Exome Variant Server 0.00008; TOPMed 0.00009; gnomAD 0.00010 and 0.00012.
gnomAD v4.1: 37 of 1,613,978 alleles (0.0023%); highest among the groups gnomAD compares: African/African-American, 0.04%; no homozygotes.

Submissions (5):

PreventionGenetics, part of Exact Sciences
Classification: Uncertain significance for BTD-related condition. Last evaluated: 2026-05-03. Review status: criteria provided, single submitter. Criteria: ACMG Guidelines, 2015. Collection method: clinical testing. Allele origin: germline.
Comment: The BTD c.713G>C variant is predicted to result in the amino acid substitution p.Gly238Ala. This variant has been reported as a single, heterozygous variant in an individual with 60% of mean normal biotinidase activity (Table S3, Sharma et al. 2024. PubMed ID: 38299772). This variant is reported in 0.040% of alleles in individuals of African descent in gnomAD. Although we suspect that this variant may be pathogenic, at this time, the clinical significance of this variant is uncertain due to the absence of conclusive functional and genetic evidence.

Labcorp Genetics (formerly Invitae), Labcorp
Classification: Uncertain significance for Biotinidase deficiency. Last evaluated: 2023-10-08. Review status: criteria provided, single submitter. Criteria: Invitae Variant Classification Sherloc (09022015). Collection method: clinical testing. Allele origin: germline.
Comment: This sequence change replaces glycine, which is neutral and non-polar, with alanine, which is neutral and non-polar, at codon 238 of the BTD protein (p.Gly238Ala). This variant is present in population databases (rs144901367, gnomAD 0.05%). This variant has not been reported in the literature in individuals affected with BTD-related conditions. ClinVar contains an entry for this variant (Variation ID: 439038). Advanced modeling of protein sequence and biophysical properties (such as structural, functional, and spatial information, amino acid conservation, physicochemical variation, residue mobility, and thermodynamic stability) performed at Invitae indicates that this missense variant is expected to disrupt BTD protein function. In summary, the available evidence is currently insufficient to determine the role of this variant in disease. Therefore, it has been classified as a Variant of Uncertain Significance.

Ambry Genetics
Classification: Uncertain significance for Inborn genetic diseases. Last evaluated: 2021-09-17. Review status: criteria provided, single submitter. Criteria: Ambry Variant Classification Scheme 2023. Collection method: clinical testing. Allele origin: germline.

Quest Diagnostics Nichols Institute San Juan Capistrano
Classification: Uncertain significance. Last evaluated: 2017-03-29. Review status: criteria provided, single submitter. Criteria: Quest Diagnostics criteria. Collection method: clinical testing. Allele origin: germline.

Natera, Inc.
Classification: Uncertain significance for Biotinidase deficiency. Last evaluated: 2019-10-28. Review status: no assertion criteria provided. Collection method: clinical testing. Allele origin: germline. Not counted in ClinVar's aggregate classification.